The following is an entry in ClinVar:

ClinVar aggregate classification (germline): Uncertain significance. Review status: criteria provided, multiple submitters, no conflicts (2 of 4 stars). 3 submissions from 3 submitters: Uncertain significance (3). Last evaluated 2025-05-31.

Conditions:
Hereditary cancer-predisposing syndrome. Also called: Hereditary neoplastic syndrome; Hereditary Cancer Syndrome; Neoplastic Syndromes, Hereditary; Tumor predisposition. Identifiers: Orphanet 140162, MedGen C0027672, MeSH D009386, MONDO:0015356.
Familial adenomatous polyposis 1 (FAP1). Also called: FAMILIAL ADENOMATOUS POLYPOSIS 1, ATTENUATED; POLYPOSIS, ADENOMATOUS INTESTINAL. Identifiers: MedGen C2713442, MONDO:0021056, OMIM 175100. Disease mechanism: loss of function.

Submissions (3):

Ambry Genetics
Classification: Uncertain significance for Hereditary cancer-predisposing syndrome. Last evaluated: 2025-05-31. Review status: criteria provided, single submitter. Criteria: Ambry Variant Classification Scheme 2023. Collection method: clinical testing. Allele origin: germline.
Comment: The p.P1101S variant (also known as c.3301C>T), located in coding exon 15 of the APC gene, results from a C to T substitution at nucleotide position 3301. The proline at codon 1101 is replaced by serine, an amino acid with similar properties. This amino acid position is conserved. In addition, in silico predictors for this gene do not accurately predict pathogenicity. Based on the available evidence, the clinical significance of this variant remains unclear.

Baylor Genetics
Classification: Uncertain significance for Familial adenomatous polyposis 1. Last evaluated: 2021-08-14. Review status: criteria provided, single submitter. Criteria: ACMG Guidelines, 2015. Collection method: clinical testing. Allele origin: unknown.

Labcorp Genetics (formerly Invitae), Labcorp
Classification: Uncertain significance for Familial adenomatous polyposis 1. Last evaluated: 2015-12-16. Review status: criteria provided, single submitter. Criteria: Invitae Variant Classification Sherloc (09022015). Collection method: clinical testing. Allele origin: germline.
Comment: This sequence change replaces proline with serine at codon 1101 of the APC protein (p.Pro1101Ser). The proline residue is moderately conserved and there is a moderate physicochemical difference between proline and serine. In summary, this is a novel missense change that is not predicted to affect protein function or cause disease. However the evidence is insufficient at this time to prove that conclusively. It has been classified as a Variant of Uncertain Significance. Algorithms developed to predict the effect of missense changes on protein structure and function (SIFT, PolyPhen-2, Align-GVGD) all suggest that this variant is likely to be tolerated, but these predictions have not been confirmed by published functional studies. This variant is not present in population databases (ExAC no frequency) and has not been reported in the literature in individuals with a APC-related disease.

NM_000038.6(APC):c.3301C>T (p.Pro1101Ser)

Gene: APC (APC regulator of Wnt signaling pathway; plus strand). Cytogenetic location: 5q22.2.
Variant type: single nucleotide variant.
Coding change: c.3301C>T on transcript NM_000038.6 (MANE Select); coding-DNA position 3301, C replaced by T.
Protein change: p.Pro1101Ser; replaces proline 1101 with serine.
Molecular consequence: missense variant.
Genome position (GRCh38, 1-based): chr5:112,838,895, C>T. VCF-style: chr5-112838895-C-T. GRCh37 (hg19) VCF-style: chr5-112174592-C-T.
Other names: c.3301C>T, p.Pro1101Ser (NM_001127510.3, NM_001354895.2); c.3247C>T, p.Pro1083Ser (NM_001127511.3); c.3355C>T, p.Pro1119Ser (NM_001354896.2); c.3331C>T, p.Pro1111Ser (NM_001354897.2); c.3226C>T, p.Pro1076Ser (NM_001354898.2); c.3217C>T, p.Pro1073Ser (NM_001354899.2); c.3178C>T, p.Pro1060Ser (NM_001354900.2); c.3124C>T, p.Pro1042Ser (NM_001354901.2); and 5 more; short protein forms P1083S, P1101S, P1042S, P1073S, P1111S, P1000S, P1010S, P1076S.
Identifiers: ClinVar variation 236588 (VCV000236588.11), dbSNP rs878853437, ClinGen allele CA10575428.
Genomic context (GRCh38, chr5:112,838,895, plus strand): 5'-AGCACTGATGATAAACACCTCAAGTTCCAACCACATTTTGGACAGCAGGAATGTGTTTCT[C>T]CATACAGGTCACGGGGAGCCAATGGTTCAGAAACAAATCGAGTGGGTTCTAATCATGGAA-3'
Protein context (NP_000029.2, residues 1091-1111): PHFGQQECVS[Pro1101Ser]YRSRGANGSE